The following is an entry in ClinVar:

ClinVar aggregate classification (germline): Pathogenic. Review status: criteria provided, multiple submitters, no conflicts (2 of 4 stars). 3 submissions from 3 submitters: Pathogenic (3). Last evaluated 2024-08-28.

Conditions:
Neuronal ceroid lipofuscinosis 11. Also called: GRN-Related Neuronal Ceroid-Lipofuscinosis. Identifiers: Orphanet 314629, Orphanet 79262, MedGen C3539123, MONDO:0013866, OMIM 614706.
GRN-related frontotemporal lobar degeneration with Tdp43 inclusions (FTD2). Also called: FRONTOTEMPORAL LOBAR DEGENERATION WITH UBIQUITIN-POSITIVE INCLUSIONS; FTLD-TDP, GRN-RELATED; GRN Frontotemporal Dementia; FRONTOTEMPORAL DEMENTIA WITH TDP43 INCLUSIONS, GRN-RELATED; DEMENTIA, HEREDITARY DYSPHASIC DISINHIBITION. Identifiers: Orphanet 100070, Orphanet 282, MedGen C1843792, MONDO:0011842, OMIM 607485. Disease mechanism: loss of function.

Submissions (3):

Labcorp Genetics (formerly Invitae), Labcorp
Classification: Pathogenic for Neuronal ceroid lipofuscinosis 11; GRN-related frontotemporal lobar degeneration with Tdp43 inclusions. Last evaluated: 2024-08-28. Review status: criteria provided, single submitter. Criteria: Invitae Variant Classification Sherloc (09022015). Collection method: clinical testing. Allele origin: germline.
Comment: This sequence change creates a premature translational stop signal (p.Arg198Glyfs*19) in the GRN gene. It is expected to result in an absent or disrupted protein product. Loss-of-function variants in GRN are known to be pathogenic (PMID: 16862116, 16950801, 22608501). This variant is not present in population databases (gnomAD no frequency). This premature translational stop signal has been observed in individual(s) with frontotemporal dementia, frontotemporal lobar degeneration, primary progressive aphasia, and/or Alzheimer's disease (PMID: 20142524, 21482928, 23383383, 33980708). ClinVar contains an entry for this variant (Variation ID: 447475). For these reasons, this variant has been classified as Pathogenic.

Mayo Clinic Laboratories, Mayo Clinic
Classification: Pathogenic. Last evaluated: 2023-07-26. Review status: criteria provided, single submitter. Criteria: ACMG Guidelines, 2015. Collection method: clinical testing. Allele origin: germline. Observed: 1 variant allele.
Comment: PM2_moderate, PS4_moderate, PVS1

Athena Diagnostics
Classification: Pathogenic. Last evaluated: 2017-04-03. Review status: criteria provided, single submitter. Criteria: Athena Diagnostics Criteria. Collection method: clinical testing. Allele origin: germline.

Literature cited by the submitters: PubMed 16862116 (cited by Labcorp Genetics (formerly Invitae), Labcorp); PubMed 16950801 (cited by Labcorp Genetics (formerly Invitae), Labcorp); PubMed 22608501 (cited by Labcorp Genetics (formerly Invitae), Labcorp); PubMed 20142524 (cited by 3 submitters); PubMed 21482928 (cited by Labcorp Genetics (formerly Invitae), Labcorp and Athena Diagnostics); PubMed 23383383 (cited by 3 submitters); PubMed 33980708 (cited by Labcorp Genetics (formerly Invitae), Labcorp and Mayo Clinic Laboratories, Mayo Clinic); PubMed 27341800 (cited by Mayo Clinic Laboratories, Mayo Clinic and Athena Diagnostics); PubMed 35790423 (cited by Mayo Clinic Laboratories, Mayo Clinic); PubMed 23742080 (cited by Athena Diagnostics); PubMed 19158106 (cited by Athena Diagnostics).

NM_002087.4(GRN):c.592_593del (p.Arg198fs)

Gene: GRN (granulin precursor; plus strand). Cytogenetic location: 17q21.31.
Variant type: Deletion.
Coding change: c.592_593del on transcript NM_002087.4 (MANE Select); coding-DNA positions 592 to 593, 2 bases deleted (AG; older notation c.592_593delAG).
Protein change: p.Arg198fs; shifts the reading frame from arginine 198.
Molecular consequence: frameshift variant.
Genome position (GRCh38, 1-based): chr17:44,350,571-44,350,572, AG deleted. VCF-style (leftmost placement, unchanged base first): chr17-44350570-CAG-C. GRCh37 (hg19) VCF-style: chr17-42427938-CAG-C.
Other names: c.592_593del (NM_002087.3); short protein forms R198fs.
Identifiers: ClinVar variation 447475 (VCV000447475.5), dbSNP rs1555611136, ClinGen allele CA658656661.